The following is an entry in ClinVar:

ClinVar aggregate classification (germline): Likely benign (1 of 4 stars; one submission).

Conditions:
MYH6-related disorder. Also called: MYH6-related condition; MYH6-Related Disorders.

gnomAD v4.1: 4 of 1,614,188 alleles (0.00025%); highest among the groups gnomAD compares: Admixed American, 0.0067%; no homozygotes.

Submission:

PreventionGenetics, part of Exact Sciences
Classification: Likely benign for MYH6-related condition. Last evaluated: 2025-08-05. Review status: criteria provided, single submitter. Criteria: ACMG Guidelines, 2015. Collection method: clinical testing. Allele origin: germline.
Comment: This variant is classified as likely benign based on ACMG/AMP sequence variant interpretation guidelines (Richards et al. 2015 PMID: 25741868, with internal and published modifications).

NM_002471.4(MYH6):c.3945G>A (p.Glu1315=)

Gene: MYH6 (myosin heavy chain 6; minus strand). Cytogenetic location: 14q11.2.
Variant type: single nucleotide variant.
Coding change: c.3945G>A on transcript NM_002471.4 (MANE Select); coding-DNA position 3945, G replaced by A.
Protein change: p.Glu1315=; no amino-acid change (glutamic acid 1315 retained).
Molecular consequence: synonymous variant.
Genome position (GRCh38, 1-based): chr14:23,389,426, C>T on the plus strand (G>A on the coding strand, the complement: MYH6 is on the minus strand). VCF-style: chr14-23389426-C-T. GRCh37 (hg19) VCF-style: chr14-23858635-C-T.
Identifiers: ClinVar variation 4978726 (VCV004978726.1).